The following is an entry in ClinVar:

ClinVar aggregate classification (germline): Pathogenic/Likely pathogenic. Review status: criteria provided, multiple submitters, no conflicts (2 of 4 stars). 2 submissions from 2 submitters: Pathogenic (1); Likely pathogenic (1). Last evaluated 2018-06-11.

Conditions:
Infantile-onset generalized dyskinesia with orofacial involvement. Also called: Dyskinesia, limb and orofacial, infantile-onset. Identifiers: Orphanet 494526, MedGen C5567464, MONDO:0044637, OMIM 616921.
Striatal degeneration, autosomal dominant 2 (ADSD2). Identifiers: MedGen C4310791, MONDO:0014835, OMIM 616922.

Submissions (2):

Institute of Human Genetics Munich, TUM University Hospital
Classification: Pathogenic for Striatal degeneration, autosomal dominant 2. Last evaluated: 2018-06-11. Review status: criteria provided, single submitter. Criteria: Classification criteria August 2017. Collection method: clinical testing. Allele origin: germline, maternal. Inheritance: Autosomal dominant inheritance. Affected: yes. Observed: 2 heterozygotes.

Diagnostics Division, CENTRE FOR DNA FINGERPRINTING AND DIAGNOSTICS
Classification: Likely pathogenic for Infantile-onset generalized dyskinesia with orofacial involvement. Last evaluated: 2017-01-01. Review status: criteria provided, single submitter. Criteria: ACMG Guidelines, 2015. Collection method: research. Allele origin: germline. Affected: yes. Observed: 1 heterozygote.
Comment: Missense variant

Literature cited by the submitters: PubMed 29159890 (cited by Diagnostics Division, CENTRE FOR DNA FINGERPRINTING AND DIAGNOSTICS).

NM_001385079.1(PDE10A):c.1799T>G (p.Phe600Cys)

Gene: PDE10A (phosphodiesterase 10A; minus strand). Cytogenetic location: 6q27.
Variant type: single nucleotide variant.
Coding change: c.1799T>G on transcript NM_001385079.1 (MANE Select); coding-DNA position 1799, T replaced by G.
Protein change: p.Phe600Cys; replaces phenylalanine 600 with cysteine.
Molecular consequence: missense variant.
Genome position (GRCh38, 1-based): chr6:165,416,279, A>C on the plus strand (T>G on the coding strand, the complement: PDE10A is on the minus strand). VCF-style: chr6-165416279-A-C. GRCh37 (hg19) VCF-style: chr6-165829767-A-C.
Other names: c.1001T>G, p.Phe334Cys (NM_001130690.3); c.971T>G, p.Phe324Cys (NM_006661.4); short protein forms F334C, F324C, F600C.
Identifiers: ClinVar variation 522607 (VCV000522607.5), dbSNP rs1554258695, ClinGen allele CA366395753.